The following is an entry in ClinVar:

NM_015726.4(DCAF8):c.347G>A (p.Arg116His)

Gene: DCAF8 (DDB1 and CUL4 associated factor 8; minus strand). Cytogenetic location: 1q23.2.
Variant type: single nucleotide variant.
Coding change: c.347G>A on transcript NM_015726.4 (MANE Select); coding-DNA position 347, G replaced by A.
Protein change: p.Arg116His; replaces arginine 116 with histidine.
Molecular consequence: missense variant. On other transcripts: non-coding transcript variant (4).
Genome position (GRCh38, 1-based): chr1:160,240,073, C>T on the plus strand (G>A on the coding strand, the complement: DCAF8 is on the minus strand). VCF-style: chr1-160240073-C-T. GRCh37 (hg19) VCF-style: chr1-160209863-C-T.
Other names: c.347G>A (NM_015726.3); short protein forms R116H.
Identifiers: ClinVar variation 2672365 (VCV002672365.24), dbSNP rs376611740, ClinGen allele CA31503332.
Genomic context (GRCh38, chr1:160,240,073, plus strand): 5'-AGGGCCCGCTCATCATCTGATGAGTCCTGGTCACGGTTAGCCCGCTTGCGCTGTACACGG[C>T]GCCGAGGCTGCTCTTCTTCCTCCTCTTCTTCCTCCTCTTCCTCTTCCTCTGAGCGGTCAT-3'
Protein context (NP_056541.2, residues 106-126): EEEEEEEQPR[Arg116His]RVQRKRANRD

ClinVar aggregate classification (germline): Conflicting classifications of pathogenicity. Review status: criteria provided, conflicting classifications (1 of 4 stars). 2 submissions from 2 submitters: Uncertain significance (1); Likely benign (1). Last evaluated 2025-08-13.

Allele frequency attached by ClinVar (database versions not stated): gnomAD exomes 0.00001; TOPMed 0.00002; gnomAD 0.00003.
gnomAD v4.1: 25 of 1,614,098 alleles (0.0015%); highest among the groups gnomAD compares: Admixed American, 0.0083%; no homozygotes.

Submissions (2):

Ambry Genetics
Classification: Uncertain significance. Last evaluated: 2025-08-13. Review status: criteria provided, single submitter. Criteria: Ambry Variant Classification Scheme 2023. Collection method: clinical testing. Allele origin: germline.

CeGaT Center for Human Genetics Tuebingen
Classification: Likely benign. Last evaluated: 2023-11-01. Review status: criteria provided, single submitter. Criteria: CeGaT Center For Human Genetics Tuebingen Variant Classification Criteria Version 2. Collection method: clinical testing. Allele origin: germline. Affected: yes. Observed: 1 variant allele.
Comment: DCAF8: BP4, BS2